The following is an entry in ClinVar:

NM_013275.6(ANKRD11):c.5681C>G (p.Pro1894Arg)

Gene: ANKRD11 (ankyrin repeat domain 11; minus strand). Cytogenetic location: 16q24.3.
Variant type: single nucleotide variant.
Coding change: c.5681C>G on transcript NM_013275.6 (MANE Select); coding-DNA position 5681, C replaced by G.
Protein change: p.Pro1894Arg; replaces proline 1894 with arginine.
Molecular consequence: missense variant.
Genome position (GRCh38, 1-based): chr16:89,280,861, G>C on the plus strand (C>G on the coding strand, the complement: ANKRD11 is on the minus strand). VCF-style: chr16-89280861-G-C. GRCh37 (hg19) VCF-style: chr16-89347269-G-C.
Other names: c.5681C>G, p.Pro1894Arg (NM_001256182.2, NM_001256183.2); short protein forms P1894R.
Identifiers: ClinVar variation 1342772 (VCV001342772.3), dbSNP rs760261187, ClinGen allele CA397153259.

ClinVar aggregate classification (germline): Uncertain significance. Review status: criteria provided, multiple submitters, no conflicts (2 of 4 stars). 2 submissions from 2 submitters: Uncertain significance (2). Last evaluated 2022-02-24.

Conditions:
KBG syndrome (KBGS). Also called: ANKRD11-Related KBG Syndrome. Identifiers: Orphanet 2332, MedGen C0220687, MONDO:0007846, OMIM 148050.

Allele frequency attached by ClinVar (database versions not stated): gnomAD exomes below 0.00001.
gnomAD v4.1: 1 of 1,604,872 alleles (0.000062%); highest among the groups gnomAD compares: Non-Finnish European, 0.000085%; no homozygotes.

Submissions (2):

GeneDx
Classification: Uncertain significance. Last evaluated: 2022-02-24. Review status: criteria provided, single submitter. Criteria: GeneDx Variant Classification Process June 2021. Collection method: clinical testing. Allele origin: germline. Affected: yes.
Comment: Not observed at significant frequency in large population cohorts (gnomAD); In silico analysis supports that this missense variant does not alter protein structure/function; Has not been previously published as pathogenic or benign to our knowledge

New York Genome Center
Classification: Uncertain significance for KBG syndrome. Last evaluated: 2021-05-27. Review status: criteria provided, single submitter. Criteria: NYGC Assertion Criteria 2020. Collection method: clinical testing. Allele origin: inherited. Observed: 1 heterozygote. Study: CSER-NYCKidSeq.